The following is an entry in ClinVar:

NM_000478.6(ALPL):c.368C>A (p.Ala123Asp)

Gene: ALPL (alkaline phosphatase, biomineralization associated; plus strand). Cytogenetic location: 1p36.12.
Variant type: single nucleotide variant.
Coding change: c.368C>A on transcript NM_000478.6 (MANE Select); coding-DNA position 368, C replaced by A.
Protein change: p.Ala123Asp; replaces alanine 123 with aspartic acid.
Molecular consequence: missense variant.
Genome position (GRCh38, 1-based): chr1:21,563,180, C>A. VCF-style: chr1-21563180-C-A. GRCh37 (hg19) VCF-style: chr1-21889673-C-A.
Other names: c.203C>A, p.Ala68Asp (NM_001127501.4); c.137C>A, p.Ala46Asp (NM_001177520.3); c.368C>A, p.Ala123Asp (NM_001369803.2, NM_001369804.2, NM_001369805.2); short protein forms A123D, A46D, A68D.
Identifiers: ClinVar variation 555231 (VCV000555231.14), dbSNP rs1188506084, ClinGen allele CA338877194.

ClinVar aggregate classification (germline): Pathogenic/Likely pathogenic. Review status: criteria provided, multiple submitters, no conflicts (2 of 4 stars). 6 submissions from 6 submitters: Pathogenic (1); Likely pathogenic (4). 1 of the submissions does not count toward it. Last evaluated 2026-01-25.

Conditions:
Adult hypophosphatasia. Identifiers: Orphanet 247676, Orphanet 436, MedGen C0268413, MONDO:1010154, OMIM 146300, MONDO:0007798.
Childhood hypophosphatasia. Identifiers: Orphanet 247667, Orphanet 436, MedGen C0220743, MONDO:1010168, OMIM 241510, MONDO:0009428.
Infantile hypophosphatasia. Identifiers: Orphanet 247651, Orphanet 436, MedGen C0268412, MONDO:1010169, OMIM 241500, MONDO:0009427.
Hypophosphatasia. Also called: Phosphoethanol-aminuria. Identifiers: Orphanet 436, MedGen C0020630, MeSH D007014, MONDO:0018570.

Allele frequency attached by ClinVar (database versions not stated): gnomAD exomes below 0.00001; TOPMed below 0.00001.
gnomAD v4.1: 2 of 1,613,972 alleles (0.00012%); highest among the groups gnomAD compares: Non-Finnish European, 0.00017%; no homozygotes.

Submissions (6):

Labcorp Genetics (formerly Invitae), Labcorp
Classification: Pathogenic. Last evaluated: 2026-01-25. Review status: criteria provided, single submitter. Criteria: Invitae Variant Classification Sherloc (09022015). Collection method: clinical testing. Allele origin: germline.
Comment: This sequence change replaces alanine, which is neutral and non-polar, with aspartic acid, which is acidic and polar, at codon 123 of the ALPL protein (p.Ala123Asp). This variant is not present in population databases (gnomAD no frequency). This missense change has been observed in individual(s) with clinical features of hypophosphatasia (PMID: 17253930; internal data). In at least one individual the data is consistent with being in trans (on the opposite chromosome) from a pathogenic variant. ClinVar contains an entry for this variant (Variation ID: 555231). Invitae Evidence Modeling of protein sequence and biophysical properties (such as structural, functional, and spatial information, amino acid conservation, physicochemical variation, residue mobility, and thermodynamic stability) indicates that this missense variant is expected to disrupt ALPL protein function with a positive predictive value of 95%. For these reasons, this variant has been classified as Pathogenic.

Genomenon, Inc
Classification: Likely pathogenic for Hypophosphatasia. Last evaluated: 2025-08-29. Review status: criteria provided, single submitter. Criteria: Genomenon Sequence Variant Interpretation Standards. Collection method: curation. Allele origin: germline. Affected: yes.
Comment: ALPL c.368C>A is a missense variant that changes the amino acid at residue 123 from Alanine to Aspartic acid. This variant has been observed in at least one proband affected with hypophosphatasia (PMID:36361766;17253930). It is absent or not present at a significant frequency in gnomAD. In silico models agree that this variant is possibly or probably damaging. In conclusion, we classify ALPL p.Ala123Asp (c.368C>A) as a likely pathogenic variant.

Women's Health and Genetics/Laboratory Corporation of America, LabCorp
Classification: Likely pathogenic for Hypophosphatasia. Last evaluated: 2025-07-17. Review status: criteria provided, single submitter. Criteria: LabCorp Variant Classification Summary - May 2015. Collection method: clinical testing. Allele origin: germline.
Comment: Variant summary: ALPL c.368C>A (p.Ala123Asp) results in a non-conservative amino acid change in the encoded protein sequence. Algorithms developed to predict the effect of missense changes on protein structure and function all suggest that this variant is likely to be disruptive. The variant was absent in 251066 control chromosomes. c.368C>A has been observed in the heterozygous or presumed compound heterozygous state in multiple individual(s) affected with autosomal dominant and autosomal recessive Hypophosphatasia (example, Spentchian_2006, Del Angel_2020, Mornet_2021, Glotov_2025, Labcorp Genetics (formerly Invitae)). These data indicate that the variant is likely to be associated with disease. At least one publication reports severe ALPL enzymatic deficiency in a compound heterozygous patient, however the independent activity of this variant alone was not determined (Spentchian_2006). The following publications have been ascertained in the context of this evaluation (PMID: 32160374, 32973344, 17253930, 25023282, 38591765, 35320273, 18328985, 25525159, 36361766, 39983296). ClinVar contains an entry for this variant (Variation ID: 555231). Based on the evidence outlined above, the variant was classified as likely pathogenic.

Baylor Genetics
Classification: Likely pathogenic for Adult hypophosphatasia. Last evaluated: 2024-03-21. Review status: criteria provided, single submitter. Criteria: ACMG Guidelines, 2015. Collection method: clinical testing. Allele origin: unknown.

Fulgent Genetics
Classification: Likely pathogenic for Adult hypophosphatasia; Infantile hypophosphatasia; Childhood hypophosphatasia. Last evaluated: 2024-02-06. Review status: criteria provided, single submitter. Criteria: ACMG Guidelines, 2015. Collection method: clinical testing. Allele origin: germline.

Counsyl
Classification: Uncertain significance for Infantile hypophosphatasia. Last evaluated: 2017-11-30. Review status: no assertion criteria provided. Collection method: clinical testing. Allele origin: unknown. Not counted in ClinVar's aggregate classification.

Literature cited by the submitters: PubMed 17253930 (cited by 4 submitters); PubMed 36361766 (cited by Genomenon, Inc and Women's Health and Genetics/Laboratory Corporation of America, LabCorp); PubMed 25023282 (cited by Women's Health and Genetics/Laboratory Corporation of America, LabCorp); PubMed 25525159 (cited by Women's Health and Genetics/Laboratory Corporation of America, LabCorp); PubMed 32160374 (cited by Women's Health and Genetics/Laboratory Corporation of America, LabCorp); PubMed 18328985 (cited by Women's Health and Genetics/Laboratory Corporation of America, LabCorp); PubMed 32973344 (cited by Women's Health and Genetics/Laboratory Corporation of America, LabCorp); PubMed 35320273 (cited by Women's Health and Genetics/Laboratory Corporation of America, LabCorp); PubMed 38591765 (cited by Women's Health and Genetics/Laboratory Corporation of America, LabCorp); PubMed 39983296 (cited by Women's Health and Genetics/Laboratory Corporation of America, LabCorp).